The following is an entry in ClinVar:

NM_002471.4(MYH6):c.3343G>A (p.Ala1115Thr)

Gene: MYH6 (myosin heavy chain 6; minus strand). Cytogenetic location: 14q11.2.
Variant type: single nucleotide variant.
Coding change: c.3343G>A on transcript NM_002471.4 (MANE Select); coding-DNA position 3343, G replaced by A.
Protein change: p.Ala1115Thr; replaces alanine 1115 with threonine.
Molecular consequence: missense variant.
Genome position (GRCh38, 1-based): chr14:23,390,446, C>T on the plus strand (G>A on the coding strand, the complement: MYH6 is on the minus strand). VCF-style: chr14-23390446-C-T. GRCh37 (hg19) VCF-style: chr14-23859655-C-T.
Other names: short protein forms A1115T.
Identifiers: ClinVar variation 1730440 (VCV001730440.2), dbSNP rs375733891, ClinGen allele CA7115208.

ClinVar aggregate classification (germline): Uncertain significance (1 of 4 stars; one submission).

Conditions:
Cardiovascular phenotype. Identifiers: MedGen CN230736.

Allele frequency attached by ClinVar (database versions not stated): TOPMed below 0.00001; gnomAD 0.00001; ExAC 0.00002; ESP Exome Variant Server 0.00008.

Submission:

Ambry Genetics
Classification: Uncertain significance for Cardiovascular phenotype. Last evaluated: 2023-09-20. Review status: criteria provided, single submitter. Criteria: Ambry Variant Classification Scheme 2023. Collection method: clinical testing. Allele origin: germline.
Comment: The p.A1115T variant (also known as c.3343G>A) is located in coding exon 24 of the MYH6 gene. The alanine at codon 1115 is replaced by threonine, an amino acid with similar properties. This change occurs in the first base pair of coding exon 24. This amino acid position is conserved. In addition, the in silico prediction for this alteration is inconclusive. Since supporting evidence is limited at this time, the clinical significance of this alteration remains unclear.